The following is an entry in ClinVar:

NM_003802.3(MYH13):c.5326G>A (p.Glu1776Lys)

Gene: MYH13 (myosin heavy chain 13; minus strand). Cytogenetic location: 17p13.1.
Variant type: single nucleotide variant.
Coding change: c.5326G>A on transcript NM_003802.3 (MANE Select); coding-DNA position 5326, G replaced by A.
Protein change: p.Glu1776Lys; replaces glutamic acid 1776 with lysine.
Molecular consequence: missense variant.
Genome position (GRCh38, 1-based): chr17:10,306,599, C>T on the plus strand (G>A on the coding strand, the complement: MYH13 is on the minus strand). VCF-style: chr17-10306599-C-T. GRCh37 (hg19) VCF-style: chr17-10209916-C-T.
Other names: short protein forms E1776K.
Identifiers: ClinVar variation 3034936 (VCV003034936.2), dbSNP rs574010739, ClinGen allele CA8385189.

ClinVar aggregate classification (germline): Likely benign (0 of 4 stars; one submission).

Conditions:
MYH13-related disorder. Also called: MYH13-related condition.

Allele frequency attached by ClinVar (database versions not stated): TOPMed 0.00002; gnomAD 0.00007; gnomAD exomes 0.00013; 1000 Genomes Project 30x 0.00016; 1000 Genomes Project 0.00020; ExAC 0.00021.
gnomAD v4.1: 201 of 1,614,100 alleles (0.012%); highest among the groups gnomAD compares: South Asian, 0.19%; 3 homozygotes.

Submission:

PreventionGenetics, part of Exact Sciences
Classification: Likely benign for MYH13-related condition. Last evaluated: 2022-04-06. Review status: no assertion criteria provided. Collection method: clinical testing. Allele origin: germline.
Comment: This variant is classified as likely benign based on ACMG/AMP sequence variant interpretation guidelines (Richards et al. 2015 PMID: 25741868, with internal and published modifications).